The following is an entry in ClinVar:

ClinVar aggregate classification (germline): Benign. Review status: criteria provided, multiple submitters, no conflicts (2 of 4 stars). 7 submissions from 7 submitters: Benign (6). 1 of the submissions does not count toward it. Last evaluated 2026-02-04.

Conditions:
Retinal dystrophy. Also called: Inherited retinal dystrophy. Identifiers: Orphanet 71862, MedGen C0854723, MeSH D058499, MONDO:0019118, HP:0000556.
Retinitis pigmentosa (RP). Identifiers: Orphanet 791, MedGen C0035334, MeSH D012174, MONDO:0019200, OMIM 268000. Inheritance: Autosomal dominant, autosomal recessive and X linked inheritance.
Retinitis pigmentosa 28 (RP28). Identifiers: Orphanet 791, MedGen C1419614, MONDO:0011630, OMIM 606068.

Allele frequency attached by ClinVar (database versions not stated): gnomAD exomes 0.18197 and 0.18807; ExAC 0.18292; 1000 Genomes Project 0.16014; 1000 Genomes Project 30x 0.16193; gnomAD 0.16195 and 0.16403; TOPMed 0.16557; ESP Exome Variant Server 0.16808.

Submissions (7):

Labcorp Genetics (formerly Invitae), Labcorp
Classification: Benign. Last evaluated: 2026-02-04. Review status: criteria provided, single submitter. Criteria: Invitae Variant Classification Sherloc (09022015). Collection method: clinical testing. Allele origin: germline.

Blueprint Genetics
Classification: Benign. Last evaluated: 2024-11-26. Review status: criteria provided, single submitter. Criteria: ACMG Guidelines, 2015. Collection method: clinical testing. Allele origin: germline.

Dept Of Ophthalmology, Nagoya University
Classification: Benign for Retinal dystrophy. Last evaluated: 2023-10-01. Review status: criteria provided, single submitter. Criteria: Submitter's publication. Collection method: research. Allele origin: germline. Affected: yes.

Genome-Nilou Lab
Classification: Benign for Retinitis pigmentosa 28. Last evaluated: 2021-07-10. Review status: criteria provided, single submitter. Criteria: ACMG Guidelines, 2015. Collection method: clinical testing. Allele origin: germline. Affected: no.

Illumina Laboratory Services, Illumina
Classification: Benign for Retinitis pigmentosa. Last evaluated: 2018-01-12. Review status: criteria provided, single submitter. Criteria: ICSL Variant Classification Criteria 13 December 2019. Collection method: clinical testing. Allele origin: germline.
Comment: This variant was observed in the ICSL laboratory as part of a predisposition screen in an ostensibly healthy population. It had not been previously curated by ICSL or reported in the Human Gene Mutation Database (HGMD: prior to June 1st, 2018), and was therefore a candidate for classification through an automated scoring system. Utilizing variant allele frequency, disease prevalence and penetrance estimates, and inheritance mode, an automated score was calculated to assess if this variant is too frequent to cause the disease. Based on the score and internal cut-off values, a variant classified as benign is not then subjected to further curation. The score for this variant resulted in a classification of benign for this disease.

Breakthrough Genomics
Classification: Benign. Review status: criteria provided, single submitter. Criteria: ACMG Guidelines, 2015. Collection method: not provided. Allele origin: germline. Inheritance: Unknown mechanism. Affected: yes.

Natera, Inc.
Classification: Benign for Retinitis pigmentosa type 28. Last evaluated: 2019-11-20. Review status: no assertion criteria provided. Collection method: clinical testing. Allele origin: germline. Not counted in ClinVar's aggregate classification.

NM_001201543.2(FAM161A):c.321A>G (p.Ile107Met)

Gene: FAM161A (FAM161 centrosomal protein A; minus strand). Cytogenetic location: 2p15.
Variant type: single nucleotide variant.
Coding change: c.321A>G on transcript NM_001201543.2 (MANE Select); coding-DNA position 321, A replaced by G.
Protein change: p.Ile107Met; replaces isoleucine 107 with methionine.
Molecular consequence: missense variant. On other transcripts: non-coding transcript variant (1).
Genome position (GRCh38, 1-based): chr2:61,842,223, T>C on the plus strand (A>G on the coding strand, the complement: FAM161A is on the minus strand). VCF-style: chr2-61842223-T-C. GRCh37 (hg19) VCF-style: chr2-62069358-T-C.
Other names: c.321A>G, p.Ile107Met (NM_032180.3); short protein forms I107M.
Identifiers: ClinVar variation 336744 (VCV000336744.23), dbSNP rs11125895, ClinGen allele CA1679388.